The following is an entry in ClinVar:

NM_001458.5(FLNC):c.1508G>A (p.Gly503Asp)

Gene: FLNC (filamin C; plus strand). Cytogenetic location: 7q32.1.
Variant type: single nucleotide variant.
Coding change: c.1508G>A on transcript NM_001458.5 (MANE Select); coding-DNA position 1508, G replaced by A.
Protein change: p.Gly503Asp; replaces glycine 503 with aspartic acid.
Molecular consequence: missense variant.
Genome position (GRCh38, 1-based): chr7:128,840,119, G>A. VCF-style: chr7-128840119-G-A. GRCh37 (hg19) VCF-style: chr7-128480173-G-A.
Other names: c.1508G>A, p.Gly503Asp (NM_001127487.2); short protein forms G503D.
Identifiers: ClinVar variation 636893 (VCV000636893.12), dbSNP rs1483134760, ClinGen allele CA369225766.
Genomic context (GRCh38, chr7:128,840,119, plus strand): 5'-GCCTGCAGCCCAAGGGTGTTCGCGTGAAAGAGGTGGCTGACTTCAAGGTGTTTACCAAGG[G>A]TGCCGGCAGCGGGGAGCTCAAGGTCACGGTCAAGGGGCCAAGTGAGTGCCAGAGCCCAGG-3'
Protein context (NP_001449.3, residues 493-513): EVADFKVFTK[Gly503Asp]AGSGELKVTV

ClinVar aggregate classification (germline): Uncertain significance. Review status: criteria provided, multiple submitters, no conflicts (2 of 4 stars). 4 submissions from 4 submitters: Uncertain significance (4). Last evaluated 2025-05-22.

Conditions:
Cardiovascular phenotype. Identifiers: MedGen CN230736.
Myofibrillar myopathy 5. Also called: Filaminopathy (type); FILAMINOPATHY, AUTOSOMAL DOMINANT. Identifiers: Orphanet 171445, MedGen C1836050, MONDO:0012289, OMIM 609524.
Hypertrophic cardiomyopathy 26. Also called: Cardiomyopathy, familial hypertrophic, 26. Identifiers: Orphanet 75249, MedGen C4310749, MONDO:0014883, OMIM 617047.
Distal myopathy with posterior leg and anterior hand involvement. Also called: WILLIAMS DISTAL MYOPATHY. Identifiers: Orphanet 63273, MedGen C3279722, MONDO:0013550, OMIM 614065.

Allele frequency attached by ClinVar (database versions not stated): gnomAD 0.00001; TOPMed 0.00002.

Submissions (4):

Revvity Omics, Revvity
Classification: Uncertain significance. Last evaluated: 2025-05-22. Review status: criteria provided, single submitter. Criteria: ACMG Guidelines, 2015. Collection method: clinical testing. Allele origin: germline.

Ambry Genetics
Classification: Uncertain significance for Cardiovascular phenotype. Last evaluated: 2025-02-20. Review status: criteria provided, single submitter. Criteria: Ambry Variant Classification Scheme 2023. Collection method: clinical testing. Allele origin: germline.
Comment: The p.G503D variant (also known as c.1508G>A), located in coding exon 9 of the FLNC gene, results from a G to A substitution at nucleotide position 1508. The glycine at codon 503 is replaced by aspartic acid, an amino acid with similar properties. This amino acid position is conserved. In addition, the in silico prediction for this alteration is inconclusive. Based on the available evidence, the clinical significance of this variant remains unclear.

Labcorp Genetics (formerly Invitae), Labcorp
Classification: Uncertain significance for Distal myopathy with posterior leg and anterior hand involvement; Myofibrillar myopathy 5; Hypertrophic cardiomyopathy 26. Last evaluated: 2023-09-17. Review status: criteria provided, single submitter. Criteria: Invitae Variant Classification Sherloc (09022015). Collection method: clinical testing. Allele origin: germline.
Comment: Advanced modeling of protein sequence and biophysical properties (such as structural, functional, and spatial information, amino acid conservation, physicochemical variation, residue mobility, and thermodynamic stability) has been performed at Invitae for this missense variant, however the output from this modeling did not meet the statistical confidence thresholds required to predict the impact of this variant on FLNC protein function. ClinVar contains an entry for this variant (Variation ID: 636893). This variant has not been reported in the literature in individuals affected with FLNC-related conditions. This variant is not present in population databases (gnomAD no frequency). In summary, the available evidence is currently insufficient to determine the role of this variant in disease. Therefore, it has been classified as a Variant of Uncertain Significance. This sequence change replaces glycine, which is neutral and non-polar, with aspartic acid, which is acidic and polar, at codon 503 of the FLNC protein (p.Gly503Asp).

Blueprint Genetics
Classification: Uncertain significance. Last evaluated: 2018-12-13. Review status: criteria provided, single submitter. Criteria: ACMG Guidelines, 2015. Collection method: clinical testing. Allele origin: germline.